The following is an entry in ClinVar:

NM_003280.3(TNNC1):c.337G>A (p.Asp113Asn)

Gene: TNNC1 (troponin C1, slow skeletal and cardiac type; minus strand). Cytogenetic location: 3p21.1.
Variant type: single nucleotide variant.
Coding change: c.337G>A on transcript NM_003280.3 (MANE Select); coding-DNA position 337, G replaced by A.
Protein change: p.Asp113Asn; replaces aspartic acid 113 with asparagine.
Molecular consequence: missense variant.
Genome position (GRCh38, 1-based): chr3:52,451,508, C>T on the plus strand (G>A on the coding strand, the complement: TNNC1 is on the minus strand). VCF-style: chr3-52451508-C-T. GRCh37 (hg19) VCF-style: chr3-52485524-C-T.
Other names: c.337G>A (LRG_378t1); short protein forms D113N.
Identifiers: ClinVar variation 567523 (VCV000567523.9), dbSNP rs369639550, ClinGen allele CA2438515.

ClinVar aggregate classification (germline): Uncertain significance. Review status: criteria provided, multiple submitters, no conflicts (2 of 4 stars). 3 submissions from 3 submitters: Uncertain significance (3). Last evaluated 2026-08-11.

Conditions:
Dilated cardiomyopathy 1Z (CMD1Z). Identifiers: Orphanet 154, MedGen C2678475, MONDO:0012745, OMIM 611879.
Hypertrophic cardiomyopathy 13. Also called: TNNC1-Related Familial Hypertrophic Cardiomyopathy. Identifiers: MedGen C2750472, MONDO:0013195, OMIM 613243.
Cardiovascular phenotype. Identifiers: MedGen CN230736.

Allele frequency attached by ClinVar (database versions not stated): gnomAD exomes below 0.00001 and 0.00001; gnomAD 0.00001; TOPMed 0.00001; ExAC 0.00002; ESP Exome Variant Server 0.00008.
gnomAD v4.1: 8 of 1,613,916 alleles (0.0005%); highest among the groups gnomAD compares: African/African-American, 0.004%; no homozygotes.

Submissions (3):

Ambry Genetics
Classification: Uncertain significance for Cardiovascular phenotype. Last evaluated: 2026-08-11. Review status: criteria provided, single submitter. Criteria: Ambry Variant Classification Scheme 2023. Collection method: clinical testing. Allele origin: germline.
Comment: The p.D113N variant (also known as c.337G>A), located in coding exon 5 of the TNNC1 gene, results from a G to A substitution at nucleotide position 337. The aspartic acid at codon 113 is replaced by asparagine, an amino acid with highly similar properties. This amino acid position is highly conserved in available vertebrate species. In addition, this alteration is predicted to be tolerated by in silico analysis. Based on the available evidence, the clinical significance of this variant remains unclear.

Labcorp Genetics (formerly Invitae), Labcorp
Classification: Uncertain significance for Hypertrophic cardiomyopathy 13; Dilated cardiomyopathy 1Z. Last evaluated: 2024-10-29. Review status: criteria provided, single submitter. Criteria: Invitae Variant Classification Sherloc (09022015). Collection method: clinical testing. Allele origin: germline.
Comment: This sequence change replaces aspartic acid, which is acidic and polar, with asparagine, which is neutral and polar, at codon 113 of the TNNC1 protein (p.Asp113Asn). This variant is present in population databases (rs369639550, gnomAD 0.01%). This variant has not been reported in the literature in individuals affected with TNNC1-related conditions. ClinVar contains an entry for this variant (Variation ID: 567523). An algorithm developed to predict the effect of missense changes on protein structure and function (PolyPhen-2) suggests that this variant is likely to be disruptive. In summary, the available evidence is currently insufficient to determine the role of this variant in disease. Therefore, it has been classified as a Variant of Uncertain Significance.

GeneDx
Classification: Uncertain significance. Last evaluated: 2018-12-04. Review status: criteria provided, single submitter. Criteria: GeneDx Variant Classification Process June 2021. Collection method: clinical testing. Allele origin: germline. Affected: yes.
Comment: Reported in one individual with sudden unexplained death; however, no additional clinical or segregation details are available and this individual harbored multiple other cardiogenetic variants (Sanchez et al., 2016); Not observed at a significant frequency in large population cohorts (Lek et al., 2016); In silico analysis, which includes protein predictors and evolutionary conservation, supports that this variant does not alter protein structure/function; This variant is associated with the following publications: (PMID: 27930701)